The following is an entry in ClinVar:

NM_005733.3(KIF20A):c.284C>T (p.Thr95Ile)

Gene: KIF20A (kinesin family member 20A; plus strand). Cytogenetic location: 5q31.2.
Variant type: single nucleotide variant.
Coding change: c.284C>T on transcript NM_005733.3 (MANE Select); coding-DNA position 284, C replaced by T.
Protein change: p.Thr95Ile; replaces threonine 95 with isoleucine.
Molecular consequence: missense variant.
Genome position (GRCh38, 1-based): chr5:138,181,637, C>T. VCF-style: chr5-138181637-C-T. GRCh37 (hg19) VCF-style: chr5-137517326-C-T.
Other names: short protein forms T95I.
Identifiers: ClinVar variation 2066638 (VCV002066638.4), dbSNP rs373433800, ClinGen allele CA3426272.

ClinVar aggregate classification (germline): Uncertain significance (1 of 4 stars; one submission).

Allele frequency attached by ClinVar (database versions not stated): ExAC 0.00002; TOPMed 0.00002; gnomAD exomes 0.00005; gnomAD 0.00002; ESP Exome Variant Server 0.00008.

Submission:

Labcorp Genetics (formerly Invitae), Labcorp
Classification: Uncertain significance. Last evaluated: 2024-11-17. Review status: criteria provided, single submitter. Criteria: Invitae Variant Classification Sherloc (09022015). Collection method: clinical testing. Allele origin: germline.
Comment: This sequence change replaces threonine, which is neutral and polar, with isoleucine, which is neutral and non-polar, at codon 95 of the KIF20A protein (p.Thr95Ile). This variant is present in population databases (rs373433800, gnomAD 0.006%). This variant has not been reported in the literature in individuals affected with KIF20A-related conditions. ClinVar contains an entry for this variant (Variation ID: 2066638). An algorithm developed to predict the effect of missense changes on protein structure and function (PolyPhen-2) suggests that this variant is likely to be disruptive. In summary, the available evidence is currently insufficient to determine the role of this variant in disease. Therefore, it has been classified as a Variant of Uncertain Significance.